The following is an entry in ClinVar:

ClinVar aggregate classification (germline): Uncertain significance (1 of 4 stars; one submission).

Submission:

Ambry Genetics
Classification: Uncertain significance. Last evaluated: 2023-01-03. Review status: criteria provided, single submitter. Criteria: Ambry Variant Classification Scheme 2023. Collection method: clinical testing. Allele origin: germline.
Comment: The p.P399R variant (also known as c.1196C>G), located in coding exon 5 of the EGLN2 gene, results from a C to G substitution at nucleotide position 1196. The proline at codon 399 is replaced by arginine, an amino acid with dissimilar properties. This amino acid position is conserved. In addition, the in silico prediction for this alteration is inconclusive. Since supporting evidence is limited at this time, the clinical significance of this alteration remains unclear.

NM_080732.4(EGLN2):c.1196C>G (p.Pro399Arg)

Genes: EGLN2 (egl-9 family hypoxia inducible factor 2; plus strand), RAB4B-EGLN2 (RAB4B-EGLN2 readthrough (NMD candidate); plus strand). Cytogenetic location: 19q13.2.
Variant type: single nucleotide variant.
Coding change: c.1196C>G on transcript NM_080732.4 (MANE Select); coding-DNA position 1196, C replaced by G.
Protein change: p.Pro399Arg; replaces proline 399 with arginine.
Molecular consequence: missense variant. On other transcripts: non-coding transcript variant (1).
Genome position (GRCh38, 1-based): chr19:40,807,836, C>G. VCF-style: chr19-40807836-C-G. GRCh37 (hg19) VCF-style: chr19-41313741-C-G.
Other names: c.1196C>G, p.Pro399Arg (NM_053046.4); short protein forms P399R.
Identifiers: ClinVar variation 2449363 (VCV002449363.2), dbSNP rs1309413071, ClinGen allele CA405956916.